The following is an entry in ClinVar:

NM_182493.3(MYLK3):c.1686C>G (p.Asn562Lys)

Gene: MYLK3 (myosin light chain kinase 3; minus strand). Cytogenetic location: 16q11.2.
Variant type: single nucleotide variant.
Coding change: c.1686C>G on transcript NM_182493.3 (MANE Select); coding-DNA position 1686, C replaced by G.
Protein change: p.Asn562Lys; replaces asparagine 562 with lysine.
Molecular consequence: missense variant.
Genome position (GRCh38, 1-based): chr16:46,729,110, G>C on the plus strand (C>G on the coding strand, the complement: MYLK3 is on the minus strand). VCF-style: chr16-46729110-G-C. GRCh37 (hg19) VCF-style: chr16-46763022-G-C.
Other names: c.663C>G, p.Asn221Lys (NM_001308301.1); short protein forms N562K, N221K.
Identifiers: ClinVar variation 1498605 (VCV001498605.8), dbSNP rs1966847597, ClinGen allele CA395790371.

ClinVar aggregate classification (germline): Uncertain significance (1 of 4 stars; one submission).

Allele frequency attached by ClinVar (database versions not stated): TOPMed below 0.00001.

Submission:

Labcorp Genetics (formerly Invitae), Labcorp
Classification: Uncertain significance. Last evaluated: 2022-07-12. Review status: criteria provided, single submitter. Criteria: Invitae Variant Classification Sherloc (09022015). Collection method: clinical testing. Allele origin: germline.
Comment: This sequence change replaces asparagine, which is neutral and polar, with lysine, which is basic and polar, at codon 562 of the MYLK3 protein (p.Asn562Lys). This variant is not present in population databases (gnomAD no frequency). This variant has not been reported in the literature in individuals affected with MYLK3-related conditions. ClinVar contains an entry for this variant (Variation ID: 1498605). Algorithms developed to predict the effect of missense changes on protein structure and function are either unavailable or do not agree on the potential impact of this missense change (SIFT: "Tolerated"; PolyPhen-2: "Possibly Damaging"; Align-GVGD: "Class C0"). In summary, the available evidence is currently insufficient to determine the role of this variant in disease. Therefore, it has been classified as a Variant of Uncertain Significance.